The following is an entry in ClinVar:

NM_015909.4(NBAS):c.2507A>C (p.Gln836Pro)

Gene: NBAS (NBAS subunit of NRZ tethering complex; minus strand). Cytogenetic location: 2p24.3.
Variant type: single nucleotide variant.
Coding change: c.2507A>C on transcript NM_015909.4 (MANE Select); coding-DNA position 2507, A replaced by C.
Protein change: p.Gln836Pro; replaces glutamine 836 with proline.
Molecular consequence: missense variant. On other transcripts: non-coding transcript variant (1).
Genome position (GRCh38, 1-based): chr2:15,424,385, T>G on the plus strand (A>C on the coding strand, the complement: NBAS is on the minus strand). VCF-style: chr2-15424385-T-G. GRCh37 (hg19) VCF-style: chr2-15564509-T-G.
Other names: short protein forms Q836P.
Identifiers: ClinVar variation 1481974 (VCV001481974.4), dbSNP rs780218971, ClinGen allele CA1536337.

ClinVar aggregate classification (germline): Uncertain significance (1 of 4 stars; one submission).

Allele frequency attached by ClinVar (database versions not stated): gnomAD 0.00002 and 0.00003; gnomAD exomes 0.00002 and 0.00004; TOPMed 0.00002; ExAC 0.00003.
gnomAD v4.1: 44 of 1,614,168 alleles (0.0027%); highest among the groups gnomAD compares: Middle Eastern, 0.016%; no homozygotes.

Submission:

Labcorp Genetics (formerly Invitae), Labcorp
Classification: Uncertain significance. Last evaluated: 2024-12-30. Review status: criteria provided, single submitter. Criteria: Invitae Variant Classification Sherloc (09022015). Collection method: clinical testing. Allele origin: germline.
Comment: This sequence change replaces glutamine, which is neutral and polar, with proline, which is neutral and non-polar, at codon 836 of the NBAS protein (p.Gln836Pro). This variant is present in population databases (rs780218971, gnomAD 0.006%). This variant has not been reported in the literature in individuals affected with NBAS-related conditions. ClinVar contains an entry for this variant (Variation ID: 1481974). Invitae Evidence Modeling of protein sequence and biophysical properties (such as structural, functional, and spatial information, amino acid conservation, physicochemical variation, residue mobility, and thermodynamic stability) indicates that this missense variant is not expected to disrupt NBAS protein function with a negative predictive value of 95%. In summary, the available evidence is currently insufficient to determine the role of this variant in disease. Therefore, it has been classified as a Variant of Uncertain Significance.